The following is an entry in ClinVar:

ClinVar aggregate classification (germline): Benign/Likely benign. Review status: criteria provided, multiple submitters, no conflicts (2 of 4 stars). 6 submissions from 6 submitters: Benign (4); Likely benign (2). Last evaluated 2026-01-16.

Conditions:
Hereditary spherocytosis type 1. Also called: Spherocytosis type 1; ANK1-Related Spherocytosis. Identifiers: Orphanet 822, MedGen C2674218, MONDO:0008447, OMIM 182900.

Allele frequency attached by ClinVar (database versions not stated): gnomAD exomes 0.00195 and 0.00495; ExAC 0.00583; gnomAD 0.01174 and 0.01217; ESP Exome Variant Server 0.01246; TOPMed 0.01315; 1000 Genomes Project 0.01717; 1000 Genomes Project 30x 0.01811.
gnomAD v4.1: 4,714 of 1,614,076 alleles (0.29%); highest among the groups gnomAD compares: African/African-American, 3.8%; 87 homozygotes.

Submissions (6):

Labcorp Genetics (formerly Invitae), Labcorp
Classification: Benign. Last evaluated: 2026-01-16. Review status: criteria provided, single submitter. Criteria: Invitae Variant Classification Sherloc (09022015). Collection method: clinical testing. Allele origin: germline.

ARUP Laboratories, Molecular Genetics and Genomics, ARUP Laboratories
Classification: Benign for Hereditary spherocytosis type 1. Last evaluated: 2025-07-25. Review status: criteria provided, single submitter. Criteria: ARUP Molecular Germline Variant Investigation Process 2024. Collection method: clinical testing. Allele origin: germline.

Genome-Nilou Lab
Classification: Benign for Hereditary spherocytosis type 1. Last evaluated: 2021-12-05. Review status: criteria provided, single submitter. Criteria: ACMG Guidelines, 2015. Collection method: clinical testing. Allele origin: germline. Affected: no.

Mayo Clinic Laboratories, Mayo Clinic
Classification: Benign. Last evaluated: 2018-07-30. Review status: criteria provided, single submitter. Criteria: ACMG Guidelines, 2015. Collection method: clinical testing. Allele origin: germline. Observed: 46 variant alleles.

Illumina Laboratory Services, Illumina
Classification: Likely benign for Hereditary spherocytosis type 1. Last evaluated: 2017-04-27. Review status: criteria provided, single submitter. Criteria: ICSL Variant Classification Criteria 13 December 2019. Collection method: clinical testing. Allele origin: germline.
Comment: This variant was observed as part of a predisposition screen in an ostensibly healthy population. A literature search was performed for the gene, cDNA change, and amino acid change (where applicable). No publications were found based on this search. Allele frequency data from public databases allowed determination this variant is unlikely to cause disease. Therefore, this variant is classified as likely benign.

Breakthrough Genomics
Classification: Likely benign. Review status: criteria provided, single submitter. Criteria: ACMG Guidelines, 2015. Collection method: not provided. Allele origin: germline. Inheritance: Autosomal dominant inheritance. Affected: yes.

NM_000037.4(ANK1):c.2211C>G (p.Pro737=)

Gene: ANK1 (ankyrin 1; minus strand). Cytogenetic location: 8p11.21.
Variant type: single nucleotide variant.
Coding change: c.2211C>G on transcript NM_000037.4 (MANE Select); coding-DNA position 2211, C replaced by G.
Protein change: p.Pro737=; no amino-acid change (proline 737 retained).
Molecular consequence: synonymous variant.
Genome position (GRCh38, 1-based): chr8:41,704,125, G>C on the plus strand (C>G on the coding strand, the complement: ANK1 is on the minus strand). VCF-style: chr8-41704125-G-C. GRCh37 (hg19) VCF-style: chr8-41561643-G-C.
Other names: p.Pro737=; c.2310C>G, p.Pro770= (NM_001142446.2); c.2211C>G, p.Pro737= (NM_020475.3, NM_020476.3, NM_020477.3).
Identifiers: ClinVar variation 363017 (VCV000363017.30), dbSNP rs34194642, ClinGen allele CA4728312.